The following is an entry in ClinVar:

NM_005259.3(MSTN):c.306C>T (p.Ser102=)

Genes: AKAP19 (A-kinase anchoring protein 19; plus strand), MSTN (myostatin; minus strand). Cytogenetic location: 2q32.2.
Variant type: single nucleotide variant.
Coding change: c.306C>T on transcript NM_005259.3 (MANE Select); coding-DNA position 306, C replaced by T.
Protein change: p.Ser102=; no amino-acid change (serine 102 retained).
Molecular consequence: synonymous variant.
Genome position (GRCh38, 1-based): chr2:190,062,291, G>A on the plus strand (C>T on the coding strand, the complement: MSTN is on the minus strand). VCF-style: chr2-190062291-G-A. GRCh37 (hg19) VCF-style: chr2-190927017-G-A.
Other names: c.306C>T (LRG_200t1).
Identifiers: ClinVar variation 333241 (VCV000333241.10), dbSNP rs34191156, ClinGen allele CA2027178.

ClinVar aggregate classification (germline): Benign/Likely benign. Review status: criteria provided, multiple submitters, no conflicts (2 of 4 stars). 4 submissions from 4 submitters: Benign (3); Likely benign (1). Last evaluated 2024-10-09.

Conditions:
Myostatin-related muscle hypertrophy (MSLHP). Also called: MUSCLE HYPERTROPHY. Identifiers: Orphanet 275534, MedGen C2931112, MONDO:0013598, OMIM 614160.

Allele frequency attached by ClinVar (database versions not stated): gnomAD exomes 0.00120; ExAC 0.00149; gnomAD 0.00427; TOPMed 0.00466; ESP Exome Variant Server 0.00561; 1000 Genomes Project 30x 0.00609; 1000 Genomes Project 0.00619.
gnomAD v4.1: 1,470 of 1,613,158 alleles (0.091%); highest among the groups gnomAD compares: African/African-American, 1.7%; 15 homozygotes.

Submissions (4):

Blueprint Genetics
Classification: Likely benign. Last evaluated: 2024-10-09. Review status: criteria provided, single submitter. Criteria: ACMG Guidelines, 2015. Collection method: clinical testing. Allele origin: germline.

Labcorp Genetics (formerly Invitae), Labcorp
Classification: Benign. Last evaluated: 2018-05-16. Review status: criteria provided, single submitter. Criteria: Invitae Variant Classification Sherloc (09022015). Collection method: clinical testing. Allele origin: germline.

Illumina Laboratory Services, Illumina
Classification: Benign for Myostatin-related muscle hypertrophy. Last evaluated: 2018-01-13. Review status: criteria provided, single submitter. Criteria: ICSL Variant Classification Criteria 13 December 2019. Collection method: clinical testing. Allele origin: germline.
Comment: This variant was observed in the ICSL laboratory as part of a predisposition screen in an ostensibly healthy population. It had not been previously curated by ICSL or reported in the Human Gene Mutation Database (HGMD: prior to June 1st, 2018), and was therefore a candidate for classification through an automated scoring system. Utilizing variant allele frequency, disease prevalence and penetrance estimates, and inheritance mode, an automated score was calculated to assess if this variant is too frequent to cause the disease. Based on the score and internal cut-off values, a variant classified as benign is not then subjected to further curation. The score for this variant resulted in a classification of benign for this disease.

Breakthrough Genomics
Classification: Benign. Review status: criteria provided, single submitter. Criteria: ACMG Guidelines, 2015. Collection method: not provided. Allele origin: germline. Inheritance: Autosomal recessive inheritance. Affected: yes.